The following is an entry in ClinVar:

NM_000069.3(CACNA1S):c.5253T>G (p.Pro1751=)

Gene: CACNA1S (calcium voltage-gated channel subunit alpha1 S; minus strand). Cytogenetic location: 1q32.1.
Variant type: single nucleotide variant.
Coding change: c.5253T>G on transcript NM_000069.3 (MANE Select); coding-DNA position 5253, T replaced by G.
Protein change: p.Pro1751=; no amino-acid change (proline 1751 retained).
Molecular consequence: synonymous variant.
Genome position (GRCh38, 1-based): chr1:201,040,348, A>C on the plus strand (T>G on the coding strand, the complement: CACNA1S is on the minus strand). VCF-style: chr1-201040348-A-C. GRCh37 (hg19) VCF-style: chr1-201009476-A-C.
Identifiers: ClinVar variation 3052558 (VCV003052558.2), dbSNP rs2464390915, ClinGen allele CA422815178.
Genomic context (GRCh38, chr1:201,040,348, plus strand): 5'-GCTCCTGCTGTGGGGTGTCTCCTCATGAAGAGACCCTGGTGTGGAGCTCTTTCTGTCCTC[A>C]GGCATGGAGGACTCCACCCTGGGGCACTGTTCCAAAGGTACAAAAGCAAAGACCCCGACA-3'
Protein context (NP_000060.2, residues 1741-1761): CQCPRVESSM[Pro1751=]EDRKSSTPGS

ClinVar aggregate classification (germline): Likely benign (0 of 4 stars; one submission).

Conditions:
CACNA1S-related disorder. Also called: CACNA1S-related condition.

Submission:

PreventionGenetics, part of Exact Sciences
Classification: Likely benign for CACNA1S-related condition. Last evaluated: 2022-09-22. Review status: no assertion criteria provided. Collection method: clinical testing. Allele origin: germline.
Comment: This variant is classified as likely benign based on ACMG/AMP sequence variant interpretation guidelines (Richards et al. 2015 PMID: 25741868, with internal and published modifications).